The following is an entry in ClinVar:

NM_000245.4(MET):c.2888-16T>C

Gene: MET (MET proto-oncogene, receptor tyrosine kinase; plus strand). Cytogenetic location: 7q31.2.
Variant type: single nucleotide variant.
Coding change: c.2888-16T>C on transcript NM_000245.4 (MANE Select); 16 bases into the intron before coding-DNA position 2888, T replaced by C.
Molecular consequence: intron variant.
Genome position (GRCh38, 1-based): chr7:116,771,833, T>C. VCF-style: chr7-116771833-T-C. GRCh37 (hg19) VCF-style: chr7-116411887-T-C.
Other names: c.2942-16T>C (NM_001127500.3); c.1598-16T>C (NM_001324402.2).
Identifiers: ClinVar variation 1659703 (VCV001659703.9), dbSNP rs1035141881, ClinGen allele CA164905024.
Genomic context (GRCh38, chr7:116,771,833, plus strand): 5'-CTGGGCACTGGGTCAAAGTCTCCTGGGGCCCATGATAGCCGTCTTTAACAAGCTCTTTCT[T>C]TCTCTCTGTTTTAAGATCTGGGCAGTGAATTAGTTCGCTACGATGCAAGAGTACACACTC-3'

ClinVar aggregate classification (germline): Likely benign. Review status: criteria provided, multiple submitters, no conflicts (2 of 4 stars). 2 submissions from 2 submitters: Likely benign (2). Last evaluated 2024-11-12.

Conditions:
Renal cell carcinoma. Identifiers: Orphanet 217071, MedGen C0007134, MeSH D002292, MONDO:0005086, HP:0005584.
Papillary renal cell carcinoma type 1 (RCCP1). Also called: Renal adenocarcinoma; Renal cell carcinoma 1; Renal cell carcinoma, somatic; RENAL CELL CARCINOMA, PAPILLARY, 1, SOMATIC. Identifiers: Orphanet 47044, MedGen C1336839, OMIM 605074, HP:0011797.

Allele frequency attached by ClinVar (database versions not stated): gnomAD exomes below 0.00001; TOPMed 0.00001; gnomAD 0.00003.
gnomAD v4.1: 8 of 1,613,594 alleles (0.0005%); highest among the groups gnomAD compares: Non-Finnish European, 0.00059%; no homozygotes.

Submissions (2):

Myriad Genetics, Inc.
Classification: Likely benign for Papillary renal cell carcinoma type 1. Last evaluated: 2024-11-12. Review status: criteria provided, single submitter. Criteria: Myriad Autosomal Dominant, Autosomal Recessive and X-Linked Classification Criteria (2023). Collection method: clinical testing. Allele origin: unknown.
Comment: This variant is considered likely benign. This variant is intronic and is not expected to impact mRNA splicing.

Labcorp Genetics (formerly Invitae), Labcorp
Classification: Likely benign for Renal cell carcinoma. Last evaluated: 2024-09-09. Review status: criteria provided, single submitter. Criteria: Invitae Variant Classification Sherloc (09022015). Collection method: clinical testing. Allele origin: germline.